The following is an entry in ClinVar:

ClinVar aggregate classification (germline): Conflicting classifications of pathogenicity. Review status: criteria provided, conflicting classifications (1 of 4 stars). 2 submissions from 2 submitters: Uncertain significance (1); Likely benign (1). Last evaluated 2023-09-17.

Conditions:
Malignant hyperthermia, susceptibility to, 1 (MHS1). Also called: RYR1-Related Malignant Hyperthermia Susceptibility; Malignant hyperthermia suceptibility 1; Anesthesia related hyperthermia; Malignant hyperpyrexia; Fulminating hyperpyrexia; Pharmacogenic myopathy. Identifiers: Orphanet 423, MedGen C2930980, MONDO:0007783, OMIM 145600.
RYR1-related disorder. Also called: RYR1-related condition; RYR1-related disorders. Identifiers: MedGen CN239331.

Allele frequency attached by ClinVar (database versions not stated): gnomAD exomes 0.00001.
gnomAD v4.1: 4 of 1,613,980 alleles (0.00025%); highest among the groups gnomAD compares: Non-Finnish European, 0.00034%; no homozygotes.

Submissions (2):

All of Us Research Program, National Institutes of Health
Classification: Uncertain significance for Malignant hyperthermia, susceptibility to, 1. Last evaluated: 2023-09-17. Review status: criteria provided, single submitter. Criteria: ACMG Guidelines, 2015. Collection method: clinical testing. Allele origin: germline. Inheritance: Autosomal dominant inheritance. Observed: 1 variant allele, 1 heterozygote.
Comment: This variant is located in the RYR1 protein. To our knowledge, functional studies have not been reported for this variant. This variant has not been reported in individuals affected with RYR1-related disorders in the literature. This variant has not been identified in the general population by the Genome Aggregation Database (gnomAD). The available evidence is insufficient to determine the role of this variant in disease conclusively. Therefore, this variant is classified as a Variant of Uncertain Significance.

This study involves interpretation of variants in research participants for the purpose of population health screening. Participant phenotype was not available at the time of variant classification. Additional details can be found in publication PMID: 35346344, PMCID: PMC8962531

Labcorp Genetics (formerly Invitae), Labcorp
Classification: Likely benign for RYR1-related disorder. Last evaluated: 2023-05-15. Review status: criteria provided, single submitter. Criteria: Invitae Variant Classification Sherloc (09022015). Collection method: clinical testing. Allele origin: germline.

NM_000540.3(RYR1):c.8883G>A (p.Gln2961=)

Gene: RYR1 (ryanodine receptor 1; plus strand). Cytogenetic location: 19q13.2.
Variant type: single nucleotide variant.
Coding change: c.8883G>A on transcript NM_000540.3 (MANE Select); coding-DNA position 8883, G replaced by A.
Protein change: p.Gln2961=; no amino-acid change (glutamine 2961 retained).
Molecular consequence: synonymous variant.
Genome position (GRCh38, 1-based): chr19:38,507,778, G>A. VCF-style: chr19-38507778-G-A. GRCh37 (hg19) VCF-style: chr19-38998418-G-A.
Other names: c.8883G>A, p.Gln2961= (NM_001042723.2).
Identifiers: ClinVar variation 795840 (VCV000795840.10), dbSNP rs1600856689, ClinGen allele CA507245985.